The following is an entry in ClinVar:

NM_005591.4(MRE11):c.-105-326A>T

Gene: MRE11 (MRE11 double strand break repair nuclease; minus strand). Cytogenetic location: 11q21.
Variant type: single nucleotide variant.
Coding change: c.-105-326A>T on transcript NM_005591.4 (MANE Select); 326 bases into the intron before 105 bases upstream of the start codon, A replaced by T.
Molecular consequence: intron variant.
Genome position (GRCh38, 1-based): chr11:94,493,232, T>A on the plus strand (A>T on the coding strand, the complement: MRE11 is on the minus strand). VCF-style: chr11-94493232-T-A. GRCh37 (hg19) VCF-style: chr11-94226398-T-A.
Other names: c.-105-326A>T (NM_001330347.2, NM_005590.4).
Identifiers: ClinVar variation 60643 (VCV000060643.1), dbSNP rs183829476, ClinGen allele CA144581.

ClinVar aggregate classification (germline): other (0 of 4 stars; one submission).

Conditions:
Malignant tumor of urinary bladder. Also called: Urinary bladder cancer; Urinary Bladder Neoplasms; Bladder cancer. Identifiers: MedGen C0005684, MONDO:0001187, OMIM 109800.

Allele frequency attached by ClinVar (database versions not stated): 1000 Genomes Project 0.00060; 1000 Genomes Project 30x 0.00062; TOPMed 0.00127; gnomAD 0.00268.

Submission:

Gray Institute for Radiation Oncology & Biology, University of Oxford
Classification: other. Review status: no assertion criteria provided. Collection method: not provided. Allele origin: germline.
Comment: Detected by next-generation sequencing & confirmed by Sanger sequencing